The following is an entry in ClinVar:

ClinVar aggregate classification (germline): Uncertain significance. Review status: criteria provided, multiple submitters, no conflicts (2 of 4 stars). 2 submissions from 2 submitters: Uncertain significance (2). Last evaluated 2023-06-20.

Conditions:
Inborn genetic diseases. Identifiers: MedGen C0950123, MeSH D030342.

Submissions (2):

Labcorp Genetics (formerly Invitae), Labcorp
Classification: Uncertain significance. Last evaluated: 2023-06-20. Review status: criteria provided, single submitter. Criteria: Invitae Variant Classification Sherloc (09022015). Collection method: clinical testing. Allele origin: germline.
Comment: This variant is not present in population databases (gnomAD no frequency). This variant has not been reported in the literature in individuals affected with AHDC1-related conditions. ClinVar contains an entry for this variant (Variation ID: 2482051). An algorithm developed to predict the effect of missense changes on protein structure and function (PolyPhen-2) suggests that this variant is likely to be disruptive. In summary, the available evidence is currently insufficient to determine the role of this variant in disease. Therefore, it has been classified as a Variant of Uncertain Significance. This sequence change replaces proline, which is neutral and non-polar, with alanine, which is neutral and non-polar, at codon 373 of the AHDC1 protein (p.Pro373Ala).

Ambry Genetics
Classification: Uncertain significance for Inborn genetic diseases. Last evaluated: 2023-02-07. Review status: criteria provided, single submitter. Criteria: Ambry Variant Classification Scheme 2023. Collection method: clinical testing. Allele origin: germline.

NM_001371928.1(AHDC1):c.1117C>G (p.Pro373Ala)

Gene: AHDC1 (AT-hook DNA binding motif containing 1; minus strand). Cytogenetic location: 1p36.11.
Variant type: single nucleotide variant.
Coding change: c.1117C>G on transcript NM_001371928.1 (MANE Select); coding-DNA position 1117, C replaced by G.
Protein change: p.Pro373Ala; replaces proline 373 with alanine.
Molecular consequence: missense variant.
Genome position (GRCh38, 1-based): chr1:27,550,999, G>C on the plus strand (C>G on the coding strand, the complement: AHDC1 is on the minus strand). VCF-style: chr1-27550999-G-C. GRCh37 (hg19) VCF-style: chr1-27877510-G-C.
Other names: c.1117C>G, p.Pro373Ala (NM_001029882.3); short protein forms P373A.
Identifiers: ClinVar variation 2482051 (VCV002482051.5), dbSNP rs1317708197, ClinGen allele CA339235077.
Genomic context (GRCh38, chr1:27,550,999, plus strand): 5'-GGATCTTTGGCCTATCAGTGCGCCGCAAGGCGTACTTGGGGTGACCCTCAGGCCCGGGGG[G>C]GCCGTGCGGTGAGCACAAGTCCAGGCGCAAGGGCTCGGCCAGTGGGCAGTGCCCCAGGGG-3'
Protein context (NP_001358857.1, residues 363-383): LRLDLCSPHG[Pro373Ala]PGPEGHPKYA